The following is an entry in ClinVar:

ClinVar aggregate classification (germline): Likely pathogenic (1 of 4 stars; one submission).

Conditions:
Galactosemia. Also called: Galactose intolerance. Identifiers: Orphanet 352, MedGen C0016952, MONDO:0018116, HP:0004919. Disease mechanism: loss of function.

Submission:

Illumina Laboratory Services, Illumina
Classification: Likely pathogenic for Galactosemia. Last evaluated: 2023-08-14. Review status: criteria provided, single submitter. Criteria: ICSLVariantClassificationCriteria RUGD 01 April 2020. Collection method: clinical testing. Allele origin: unknown.
Comment: The GALT c.535G>C (p.Gly179Arg) missense variant has not, to our knowledge, been reported in the peer-reviewed literature. The variant is located in a mutational hot spot in exon 6, in the galactose-1-phosphate uridyl transferase, N-terminal domain, and is not observed at a significant frequency in version 2.1.1 or version 3.1.2 of the Genome Aggregation Database. Multiple lines of computational evidence suggest the c.535G>C variant impacts the gene or gene product. This variant was identified in trans with a pathogenic variant. Based on the available evidence, the c.535G>C (p.Gly179Arg) variant is classified as likely pathogenic for galactosemia.

NM_000155.4(GALT):c.535G>C (p.Gly179Arg)

Gene: GALT (galactose-1-phosphate uridylyltransferase; plus strand). Cytogenetic location: 9p13.3.
Variant type: single nucleotide variant.
Coding change: c.535G>C on transcript NM_000155.4 (MANE Select); coding-DNA position 535, G replaced by C.
Protein change: p.Gly179Arg; replaces glycine 179 with arginine.
Molecular consequence: missense variant.
Genome position (GRCh38, 1-based): chr9:34,648,142, G>C. VCF-style: chr9-34648142-G-C. GRCh37 (hg19) VCF-style: chr9-34648139-G-C.
Other names: c.208G>C, p.Gly70Arg (NM_001258332.2); short protein forms G179R, G70R.
Identifiers: ClinVar variation 2627903 (VCV002627903.1), dbSNP rs1473851511, ClinGen allele CA373281536.